The following is an entry in ClinVar:

ClinVar aggregate classification (germline): Uncertain significance (1 of 4 stars; one submission).

Submission:

Ambry Genetics
Classification: Uncertain significance. Last evaluated: 2026-08-29. Review status: criteria provided, single submitter. Criteria: Ambry Variant Classification Scheme 2023. Collection method: clinical testing. Allele origin: germline.
Comment: The p.L432P variant (also known as c.1295T>C), located in coding exon 4 of the TMPO gene, results from a T to C substitution at nucleotide position 1295. The leucine at codon 432 is replaced by proline, an amino acid with similar properties. This amino acid position is conserved. In addition, this alteration is predicted to be tolerated by in silico analysis. Based on the available evidence, the clinical significance of this variant remains unclear.

NM_001032283.3(TMPO):c.565+1714T>C

Gene: TMPO (thymopoietin; plus strand). Cytogenetic location: 12q23.1.
Variant type: single nucleotide variant.
Coding change: c.565+1714T>C on transcript NM_001032283.3 (MANE Select); 1714 bases into the intron after coding-DNA position 565, T replaced by C.
Molecular consequence: intron variant. On other transcripts: missense variant (1).
Genome position (GRCh38, 1-based): chr12:98,533,552, T>C. VCF-style: chr12-98533552-T-C. GRCh37 (hg19) VCF-style: chr12-98927330-T-C.
Other names: c.1295T>C, p.Leu432Pro (NM_003276.2); c.565+1714T>C (NM_001307975.2, NM_001032284.3); short protein forms L432P.
Identifiers: ClinVar variation 5030967 (VCV005030967.1).